The following is an entry in ClinVar:

NM_000051.4(ATM):c.124C>A (p.His42Asn)

Gene: ATM (ATM serine/threonine kinase; plus strand). Cytogenetic location: 11q22.3.
Variant type: single nucleotide variant.
Coding change: c.124C>A on transcript NM_000051.4 (MANE Select); coding-DNA position 124, C replaced by A.
Protein change: p.His42Asn; replaces histidine 42 with asparagine.
Molecular consequence: missense variant.
Genome position (GRCh38, 1-based): chr11:108,227,827, C>A. VCF-style: chr11-108227827-C-A. GRCh37 (hg19) VCF-style: chr11-108098554-C-A.
Other names: c.124C>A, p.His42Asn (NM_001351834.2, NM_001351835.2, NM_001351836.2); short protein forms H42N.
Identifiers: ClinVar variation 818709 (VCV000818709.9), dbSNP rs1591447034, ClinGen allele CA382519914.

ClinVar aggregate classification (germline): Uncertain significance. Review status: criteria provided, multiple submitters, no conflicts (2 of 4 stars). 2 submissions from 2 submitters: Uncertain significance (2). Last evaluated 2025-01-01.

Conditions:
Hereditary cancer-predisposing syndrome. Also called: Hereditary Cancer Syndrome; Neoplastic Syndromes, Hereditary; Hereditary neoplastic syndrome; Tumor predisposition. Identifiers: Orphanet 140162, MedGen C0027672, MeSH D009386, MONDO:0015356.
Ataxia-telangiectasia syndrome (AT). Also called: Cerebello-oculocutaneous telangiectasia; Immunodeficiency with ataxia telangiectasia; Ataxia-telangiectasia, complementation group E; Ataxia-telangiectasia, complementation group D; AT, COMPLEMENTATION GROUP C; ATAXIA-TELANGIECTASIA, COMPLEMENTATION GROUP A. Identifiers: Orphanet 100, MedGen C0004135, MONDO:0008840, OMIM 208900.

Submissions (2):

Labcorp Genetics (formerly Invitae), Labcorp
Classification: Uncertain significance for Ataxia-telangiectasia syndrome. Last evaluated: 2025-01-01. Review status: criteria provided, single submitter. Criteria: Invitae Variant Classification Sherloc (09022015). Collection method: clinical testing. Allele origin: germline.
Comment: This sequence change replaces histidine, which is basic and polar, with asparagine, which is neutral and polar, at codon 42 of the ATM protein (p.His42Asn). This variant is not present in population databases (gnomAD no frequency). This variant has not been reported in the literature in individuals affected with ATM-related conditions. ClinVar contains an entry for this variant (Variation ID: 818709). Invitae Evidence Modeling of protein sequence and biophysical properties (such as structural, functional, and spatial information, amino acid conservation, physicochemical variation, residue mobility, and thermodynamic stability) indicates that this missense variant is not expected to disrupt ATM protein function with a negative predictive value of 95%. In summary, the available evidence is currently insufficient to determine the role of this variant in disease. Therefore, it has been classified as a Variant of Uncertain Significance.

Ambry Genetics
Classification: Uncertain significance for Hereditary cancer-predisposing syndrome. Last evaluated: 2023-04-07. Review status: criteria provided, single submitter. Criteria: Ambry Variant Classification Scheme 2023. Collection method: clinical testing. Allele origin: germline.
Comment: The p.H42N variant (also known as c.124C>A), located in coding exon 2 of the ATM gene, results from a C to A substitution at nucleotide position 124. The histidine at codon 42 is replaced by asparagine, an amino acid with similar properties. This amino acid position is poorly conserved in available vertebrate species. In addition, this alteration is predicted to be tolerated by in silico analysis. Since supporting evidence is limited at this time, the clinical significance of this alteration remains unclear.